The following is an entry in ClinVar:

NM_001349798.2(FBXW7):c.94C>A (p.Gln32Lys)

Gene: FBXW7 (F-box and WD repeat domain containing 7; minus strand). Cytogenetic location: 4q31.3.
Variant type: single nucleotide variant.
Coding change: c.94C>A on transcript NM_001349798.2 (MANE Select); coding-DNA position 94, C replaced by A.
Protein change: p.Gln32Lys; replaces glutamine 32 with lysine.
Molecular consequence: missense variant.
Genome position (GRCh38, 1-based): chr4:152,411,710, G>T on the plus strand (C>A on the coding strand, the complement: FBXW7 is on the minus strand). VCF-style: chr4-152411710-G-T. GRCh37 (hg19) VCF-style: chr4-153332862-G-T.
Other names: c.94C>A, p.Gln32Lys (NM_001257069.1, NM_033632.3); short protein forms Q32K.
Identifiers: ClinVar variation 4278765 (VCV004278765.1).
Genomic context (GRCh38, chr4:152,411,710, plus strand): 5'-GCTCCTCCTCTTGTTGTCTGAGTTGCTGTTGCTGTTCCTCCTCTACCACACGATTCATCT[G>T]TTCTTCATCTACCTGGCTTGAGGAAGGGTTACCTCTCAGAGAGCCTCCAGTTCGTCGTCT-3'
Protein context (NP_001336727.1, residues 22-42): NPSSSQVDEE[Gln32Lys]MNRVVEEEQQ

ClinVar aggregate classification (germline): Uncertain significance (1 of 4 stars; one submission).

Submission:

GeneDx
Classification: Uncertain significance. Last evaluated: 2025-04-02. Review status: criteria provided, single submitter. Criteria: GeneDx Variant Classification Process June 2021. Collection method: clinical testing. Allele origin: germline. Affected: yes.
Comment: Not observed at significant frequency in large population cohorts (gnomAD); In silico analysis indicates that this missense variant does not alter protein structure/function; Has not been previously published as pathogenic or benign to our knowledge